The following is an entry in ClinVar:

NM_001040716.2(PC):c.2874dup (p.Phe959fs)

Gene: PC (pyruvate carboxylase; minus strand). Cytogenetic location: 11q13.2.
Variant type: Duplication.
Coding change: c.2874dup on transcript NM_001040716.2 (MANE Select); coding-DNA position 2874, one base duplicated (G; older notation c.2874dupG).
Protein change: p.Phe959fs; shifts the reading frame from phenylalanine 959.
Molecular consequence: frameshift variant.
Genome position (GRCh38, 1-based): chr11:66,849,961, C duplicated on the plus strand (G on the coding strand, the reverse complement: PC is on the minus strand); the first of 6 consecutive C bases (chr11:66,849,961-66,849,966); duplicating any one gives the same sequence. VCF-style (leftmost placement, unchanged base first): chr11-66849960-A-AC. GRCh37 (hg19) VCF-style: chr11-66617431-A-AC.
Other names: c.2874dup, p.Phe959fs (NM_000920.4, NM_022172.3); short protein forms F959fs.
Identifiers: ClinVar variation 1926728 (VCV001926728.5), dbSNP rs147066473, ClinGen allele CA6130955.

ClinVar aggregate classification (germline): Pathogenic (1 of 4 stars; one submission).

Conditions:
Pyruvate carboxylase deficiency. Also called: ATAXIA WITH LACTIC ACIDOSIS II; Pyruvate Carboxylase Deficiency Disease; LEIGH NECROTIZING ENCEPHALOPATHY DUE TO PYRUVATE CARBOXYLASE DEFICIENCY; LEIGH SYNDROME DUE TO PYRUVATE CARBOXYLASE DEFICIENCY; PC DEFICIENCY. Identifiers: Orphanet 3008, MedGen C0034341, MONDO:0009949, OMIM 266150.

Submission:

Labcorp Genetics (formerly Invitae), Labcorp
Classification: Pathogenic for Pyruvate carboxylase deficiency. Last evaluated: 2025-08-23. Review status: criteria provided, single submitter. Criteria: Invitae Variant Classification Sherloc (09022015). Collection method: clinical testing. Allele origin: germline.
Comment: This sequence change creates a premature translational stop signal (p.Phe959Valfs*8) in the PC gene. It is expected to result in an absent or disrupted protein product. Loss-of-function variants in PC are known to be pathogenic (PMID: 12112657, 19306334). This variant is present in population databases (rs768043235, gnomAD 0.006%). This premature translational stop signal has been observed in individual(s) with clinical features of pyruvate carboxylase deficiency (PMID: 32901917). ClinVar contains an entry for this variant (Variation ID: 1926728). For these reasons, this variant has been classified as Pathogenic.

Literature cited by the submitters: PubMed 12112657; PubMed 19306334; PubMed 32901917.